The following is an entry in ClinVar:

ClinVar aggregate classification (germline): Uncertain significance (1 of 4 stars; one submission).

Allele frequency attached by ClinVar (database versions not stated): TOPMed 0.00001.

Submission:

Labcorp Genetics (formerly Invitae), Labcorp
Classification: Uncertain significance. Last evaluated: 2023-01-01. Review status: criteria provided, single submitter. Criteria: Invitae Variant Classification Sherloc (09022015). Collection method: clinical testing. Allele origin: germline.
Comment: This sequence change replaces alanine, which is neutral and non-polar, with glycine, which is neutral and non-polar, at codon 426 of the KANK1 protein (p.Ala426Gly). This variant is not present in population databases (gnomAD no frequency). This variant has not been reported in the literature in individuals affected with KANK1-related conditions. Advanced modeling of protein sequence and biophysical properties (such as structural, functional, and spatial information, amino acid conservation, physicochemical variation, residue mobility, and thermodynamic stability) performed at Invitae indicates that this missense variant is not expected to disrupt KANK1 protein function. In summary, the available evidence is currently insufficient to determine the role of this variant in disease. Therefore, it has been classified as a Variant of Uncertain Significance.

NM_015158.5(KANK1):c.1277C>G (p.Ala426Gly)

Gene: KANK1 (KN motif and ankyrin repeat domains 1; plus strand). Cytogenetic location: 9p24.3.
Variant type: single nucleotide variant.
Coding change: c.1277C>G on transcript NM_015158.5 (MANE Select); coding-DNA position 1277, C replaced by G.
Protein change: p.Ala426Gly; replaces alanine 426 with glycine.
Molecular consequence: missense variant. On other transcripts: non-coding transcript variant (1).
Genome position (GRCh38, 1-based): chr9:712,043, C>G. VCF-style: chr9-712043-C-G. GRCh37 (hg19) VCF-style: chr9-712043-C-G.
Other names: c.803C>G, p.Ala268Gly (NM_001354339.2, NM_001354340.2, NM_001354341.2 and 9 more transcripts); c.1277C>G, p.Ala426Gly (NM_001256876.3, NM_001256877.3, NM_001354331.2 and 2 more transcripts); short protein forms A268G, A426G.
Identifiers: ClinVar variation 2824204 (VCV002824204.3), dbSNP rs755890578, ClinGen allele CA372747882.